The following is an entry in ClinVar:

NM_006904.7(PRKDC):c.7782T>G (p.Asp2594Glu)

Gene: PRKDC (protein kinase, DNA-activated, catalytic subunit; minus strand). Cytogenetic location: 8q11.21.
Variant type: single nucleotide variant.
Coding change: c.7782T>G on transcript NM_006904.7 (MANE Select); coding-DNA position 7782, T replaced by G.
Protein change: p.Asp2594Glu; replaces aspartic acid 2594 with glutamic acid.
Molecular consequence: missense variant.
Genome position (GRCh38, 1-based): chr8:47,836,507, A>C on the plus strand (T>G on the coding strand, the complement: PRKDC is on the minus strand). VCF-style: chr8-47836507-A-C. GRCh37 (hg19) VCF-style: chr8-48749068-A-C.
Other names: c.7782T>G, p.Asp2594Glu (NM_001081640.2); short protein forms D2594E.
Identifiers: ClinVar variation 3425395 (VCV003425395.1).

ClinVar aggregate classification (germline): Uncertain significance (1 of 4 stars; one submission).

Submission:

Ambry Genetics
Classification: Uncertain significance. Last evaluated: 2024-11-08. Review status: criteria provided, single submitter. Criteria: Ambry Variant Classification Scheme 2023. Collection method: clinical testing. Allele origin: germline.
Comment: The p.D2594E variant (also known as c.7782T>G), located in coding exon 58 of the PRKDC gene, results from a T to G substitution at nucleotide position 7782. The aspartic acid at codon 2594 is replaced by glutamic acid, an amino acid with highly similar properties. This amino acid position is conserved. In addition, this alteration is predicted to be deleterious by in silico analysis. Based on the available evidence, the clinical significance of this variant remains unclear.